The following is an entry in ClinVar:

NM_012338.4(TSPAN12):c.67-9T>G

Gene: TSPAN12 (tetraspanin 12; minus strand). Cytogenetic location: 7q31.31.
Variant type: single nucleotide variant.
Coding change: c.67-9T>G on transcript NM_012338.4 (MANE Select); 9 bases into the intron before coding-DNA position 67, T replaced by G.
Molecular consequence: intron variant.
Genome position (GRCh38, 1-based): chr7:120,840,118, A>C on the plus strand (T>G on the coding strand, the complement: TSPAN12 is on the minus strand). VCF-style: chr7-120840118-A-C. GRCh37 (hg19) VCF-style: chr7-120480172-A-C.
Identifiers: ClinVar variation 959360 (VCV000959360.7), dbSNP rs1348776489, ClinGen allele CA832470567.

ClinVar aggregate classification (germline): Uncertain significance (1 of 4 stars; one submission).

Allele frequency attached by ClinVar (database versions not stated): TOPMed 0.00002.
gnomAD v4.1: 1 of 1,603,494 alleles (0.000062%); no homozygotes.

Submission:

Labcorp Genetics (formerly Invitae), Labcorp
Classification: Uncertain significance. Last evaluated: 2025-07-31. Review status: criteria provided, single submitter. Criteria: Invitae Variant Classification Sherloc (09022015). Collection method: clinical testing. Allele origin: germline.
Comment: This sequence change falls in intron 2 of the TSPAN12 gene. It does not directly change the encoded amino acid sequence of the TSPAN12 protein. This variant is not present in population databases (gnomAD no frequency). This variant has not been reported in the literature in individuals affected with TSPAN12-related conditions. ClinVar contains an entry for this variant (Variation ID: 959360). Algorithms developed to predict the effect of sequence changes on RNA splicing suggest that this variant may disrupt the consensus splice site. In summary, the available evidence is currently insufficient to determine the role of this variant in disease. Therefore, it has been classified as a Variant of Uncertain Significance.